The following is an entry in ClinVar:

NM_020987.5(ANK3):c.6778G>C (p.Gly2260Arg)

Genes: ANK3 (ankyrin 3; minus strand), LOC130003862 (ATAC-STARR-seq lymphoblastoid active region 3393; plus strand). Cytogenetic location: 10q21.2.
Variant type: single nucleotide variant.
Coding change: c.6778G>C on transcript NM_020987.5 (MANE Select); coding-DNA position 6778, G replaced by C.
Protein change: p.Gly2260Arg; replaces glycine 2260 with arginine.
Molecular consequence: missense variant. On other transcripts: intron variant (4).
Genome position (GRCh38, 1-based): chr10:60,074,103, C>G on the plus strand (G>C on the coding strand, the complement: ANK3 is on the minus strand). VCF-style: chr10-60074103-C-G. GRCh37 (hg19) VCF-style: chr10-61833861-C-G.
Other names: c.4388-6094G>C (NM_001204403.2); c.4409-6094G>C (NM_001204404.2); c.4406-6094G>C (NM_001320874.2); c.1808-6094G>C (NM_001149.4); short protein forms G2260R.
Identifiers: ClinVar variation 2173558 (VCV002173558.10), dbSNP rs192587828, ClinGen allele CA207325637.

ClinVar aggregate classification (germline): Uncertain significance. Review status: criteria provided, multiple submitters, no conflicts (2 of 4 stars). 2 submissions from 2 submitters: Uncertain significance (2). Last evaluated 2025-11-01.

gnomAD v4.1: 22 of 1,613,962 alleles (0.0014%); highest among the groups gnomAD compares: Middle Eastern, 0.017%; no homozygotes.

Submissions (2):

CeGaT Center for Human Genetics Tuebingen
Classification: Uncertain significance. Last evaluated: 2025-11-01. Review status: criteria provided, single submitter. Criteria: CeGaT Center For Human Genetics Tuebingen Variant Classification Criteria Version 2. Collection method: clinical testing. Allele origin: germline. Affected: yes. Observed: 1 variant allele.
Comment: ANK3: PM2

Labcorp Genetics (formerly Invitae), Labcorp
Classification: Uncertain significance. Last evaluated: 2022-03-18. Review status: criteria provided, single submitter. Criteria: Invitae Variant Classification Sherloc (09022015). Collection method: clinical testing. Allele origin: germline.
Comment: Algorithms developed to predict the effect of missense changes on protein structure and function are either unavailable or do not agree on the potential impact of this missense change (SIFT: "Not Available"; PolyPhen-2: "Benign"; Align-GVGD: "Not Available"). This variant has not been reported in the literature in individuals affected with ANK3-related conditions. This variant is present in population databases (no rsID available, gnomAD 0.0009%). This sequence change replaces glycine, which is neutral and non-polar, with arginine, which is basic and polar, at codon 2260 of the ANK3 protein (p.Gly2260Arg). In summary, the available evidence is currently insufficient to determine the role of this variant in disease. Therefore, it has been classified as a Variant of Uncertain Significance.